The following is an entry in ClinVar:

ClinVar aggregate classification (germline): Likely benign. Review status: criteria provided, multiple submitters, no conflicts (2 of 4 stars). 2 submissions from 2 submitters: Likely benign (2). Last evaluated 2026-03-25.

Conditions:
CNGA3-related disorder. Also called: CNGA3-related condition.

Allele frequency attached by ClinVar (database versions not stated): gnomAD 0.00001; gnomAD exomes 0.00001; TOPMed 0.00002.
gnomAD v4.1: 7 of 1,614,020 alleles (0.00043%); highest among the groups gnomAD compares: Middle Eastern, 0.016%; no homozygotes.

Submissions (2):

PreventionGenetics, part of Exact Sciences
Classification: Likely benign for CNGA3-related condition. Last evaluated: 2026-03-25. Review status: criteria provided, single submitter. Criteria: ACMG Guidelines, 2015. Collection method: clinical testing. Allele origin: germline.
Comment: This variant is classified as likely benign based on ACMG/AMP sequence variant interpretation guidelines (Richards et al. 2015 PMID: 25741868, with internal and published modifications).

Labcorp Genetics (formerly Invitae), Labcorp
Classification: Likely benign. Last evaluated: 2025-04-16. Review status: criteria provided, single submitter. Criteria: Invitae Variant Classification Sherloc (09022015). Collection method: clinical testing. Allele origin: germline.

NM_001298.3(CNGA3):c.1902G>T (p.Gly634=)

Gene: CNGA3 (cyclic nucleotide gated channel subunit alpha 3; plus strand). Cytogenetic location: 2q11.2.
Variant type: single nucleotide variant.
Coding change: c.1902G>T on transcript NM_001298.3 (MANE Select); coding-DNA position 1902, G replaced by T.
Protein change: p.Gly634=; no amino-acid change (glycine 634 retained).
Molecular consequence: synonymous variant.
Genome position (GRCh38, 1-based): chr2:98,397,072, G>T. VCF-style: chr2-98397072-G-T. GRCh37 (hg19) VCF-style: chr2-99013535-G-T.
Other names: c.1848G>T, p.Gly616= (NM_001079878.2); c.1902G>T (NM_001298.2).
Identifiers: ClinVar variation 1555451 (VCV001555451.9), dbSNP rs916798917, ClinGen allele CA52636094.